The following is an entry in ClinVar:

NM_022787.4(NMNAT1):c.370G>A (p.Gly124Arg)

Gene: NMNAT1 (nicotinamide nucleotide adenylyltransferase 1; plus strand). Cytogenetic location: 1p36.22.
Variant type: single nucleotide variant.
Coding change: c.370G>A on transcript NM_022787.4 (MANE Select); coding-DNA position 370, G replaced by A.
Protein change: p.Gly124Arg; replaces glycine 124 with arginine.
Molecular consequence: missense variant.
Genome position (GRCh38, 1-based): chr1:9,981,101, G>A. VCF-style: chr1-9981101-G-A. GRCh37 (hg19) VCF-style: chr1-10041159-G-A.
Other names: c.370G>A, p.Gly124Arg (NM_001297778.1, NM_001297779.2); short protein forms G124R.
Identifiers: ClinVar variation 957332 (VCV000957332.5), dbSNP rs774813024, ClinGen allele CA579216.

ClinVar aggregate classification (germline): Uncertain significance (1 of 4 stars; one submission).

Conditions:
Leber congenital amaurosis 9 (LCA9). Also called: LCA9 Leber Congenital Amaurosis; LCA 9; Amaurosis congenita of Leber, type 9. Identifiers: Orphanet 65, MedGen C1837873, MONDO:0012056, OMIM 608553.

Allele frequency attached by ClinVar (database versions not stated): gnomAD exomes below 0.00001; ExAC 0.00001; gnomAD 0.00001; TOPMed 0.00001.
gnomAD v4.1: 3 of 1,613,758 alleles (0.00019%); highest among the groups gnomAD compares: African/African-American, 0.004%; no homozygotes.

Submission:

Labcorp Genetics (formerly Invitae), Labcorp
Classification: Uncertain significance for Leber congenital amaurosis 9. Last evaluated: 2020-06-26. Review status: criteria provided, single submitter. Criteria: Invitae Variant Classification Sherloc (09022015). Collection method: clinical testing. Allele origin: germline.
Comment: In summary, the available evidence is currently insufficient to determine the role of this variant in disease. Therefore, it has been classified as a Variant of Uncertain Significance. Algorithms developed to predict the effect of missense changes on protein structure and function are either unavailable or do not agree on the potential impact of this missense change (SIFT: "Tolerated"; PolyPhen-2: "Probably Damaging"; Align-GVGD: "Class C0"). This variant has not been reported in the literature in individuals with NMNAT1-related conditions. This variant is present in population databases (rs774813024, ExAC 0.01%). This sequence change replaces glycine with arginine at codon 124 of the NMNAT1 protein (p.Gly124Arg). The glycine residue is moderately conserved and there is a moderate physicochemical difference between glycine and arginine.